The following is an entry in ClinVar:

ClinVar aggregate classification (germline): Uncertain significance (1 of 4 stars; one submission).

Conditions:
Bardet-Biedl syndrome (BBS). Identifiers: Orphanet 110, MedGen C0752166, MONDO:0015229.

Allele frequency attached by ClinVar (database versions not stated): TOPMed below 0.00001; gnomAD exomes 0.00001; ExAC 0.00003.
gnomAD v4.1: 11 of 1,613,886 alleles (0.00068%); highest among the groups gnomAD compares: East Asian, 0.025%; no homozygotes.

Submission:

Labcorp Genetics (formerly Invitae), Labcorp
Classification: Uncertain significance for Bardet-Biedl syndrome. Last evaluated: 2024-05-20. Review status: criteria provided, single submitter. Criteria: Invitae Variant Classification Sherloc (09022015). Collection method: clinical testing. Allele origin: germline.
Comment: This sequence change replaces aspartic acid, which is acidic and polar, with histidine, which is basic and polar, at codon 653 of the BBS2 protein (p.Asp653His). This variant is present in population databases (rs765364996, gnomAD 0.05%). This variant has not been reported in the literature in individuals affected with BBS2-related conditions. ClinVar contains an entry for this variant (Variation ID: 1896359). Advanced modeling of protein sequence and biophysical properties (such as structural, functional, and spatial information, amino acid conservation, physicochemical variation, residue mobility, and thermodynamic stability) performed at Invitae indicates that this missense variant is expected to disrupt BBS2 protein function with a positive predictive value of 80%. In summary, the available evidence is currently insufficient to determine the role of this variant in disease. Therefore, it has been classified as a Variant of Uncertain Significance.

NM_031885.5(BBS2):c.1957G>C (p.Asp653His)

Gene: BBS2 (Bardet-Biedl syndrome 2; minus strand). Cytogenetic location: 16q13.
Variant type: single nucleotide variant.
Coding change: c.1957G>C on transcript NM_031885.5 (MANE Select); coding-DNA position 1957, G replaced by C.
Protein change: p.Asp653His; replaces aspartic acid 653 with histidine.
Molecular consequence: missense variant. On other transcripts: non-coding transcript variant (5).
Genome position (GRCh38, 1-based): chr16:56,485,692, C>G on the plus strand (G>C on the coding strand, the complement: BBS2 is on the minus strand). VCF-style: chr16-56485692-C-G. GRCh37 (hg19) VCF-style: chr16-56519604-C-G.
Other names: c.1957G>C, p.Asp653His (NM_001377456.1); short protein forms D653H.
Identifiers: ClinVar variation 1896359 (VCV001896359.4), dbSNP rs765364996, ClinGen allele CA8065567.